The following is an entry in ClinVar:

ClinVar aggregate classification (germline): Likely benign (1 of 4 stars; one submission).

Submission:

CeGaT Center for Human Genetics Tuebingen
Classification: Likely benign. Last evaluated: 2023-03-01. Review status: criteria provided, single submitter. Criteria: CeGaT Center For Human Genetics Tuebingen Variant Classification Criteria Version 2. Collection method: clinical testing. Allele origin: germline. Affected: yes. Observed: 4 variant alleles.
Comment: VCP: BS1

NM_007126.5(VCP):c.-233GCTGCC[5]

Gene: VCP (valosin containing protein; minus strand). Cytogenetic location: 9p13.3.
Variant type: Microsatellite.
Coding change: c.-233GCTGCC[5] on transcript NM_007126.5 (MANE Select); five copies in a row of the 6-base unit GCTGCC starting at c.-233; the reference has three copies in a row; two copies, 12 bases duplicated.
Molecular consequence: 5 prime UTR variant.
Genome position (GRCh38, 1-based): chr9:35,072,569-35,072,580, GGCAGCGGCAGC duplicated on the plus strand (GCTGCCGCTGCC on the coding strand, the reverse complement: VCP is on the minus strand); duplicating any 12 consecutive bases within chr9:35,072,569-35,072,587 gives the same sequence; the position shown is the placement nearest the transcript's 3' end. VCF-style (leftmost placement, unchanged base first): chr9-35072568-T-TGGCAGCGGCAGC. GRCh37 (hg19) VCF-style: chr9-35072565-T-TGGCAGCGGCAGC.
Other names: c.-428GCTGCC[5] (NM_001354927.2); c.-948GCTGCC[5] (NM_001354928.2).
Identifiers: ClinVar variation 2499091 (VCV002499091.28), dbSNP rs879074973, ClinGen allele CA587244111.
Genomic context (GRCh38, chr9:35,072,568, plus strand): 5'-CCGGCAGCGAGGCGTCGGGCGAACAACGCTGGCTCCTGATCCGCGAGGTGGCAGTGGCAG[T>TGGCAGCGGCAGC]GGCAGCGGCAGCGGCAGCGACGACTCAAACGACGGTCGCAGACGCTTCGCTGAGACTGAG-3'